The following is an entry in ClinVar:

NM_000263.4(NAGLU):c.1706A>G (p.Gln569Arg)

Gene: NAGLU (N-acetyl-alpha-glucosaminidase; plus strand). Cytogenetic location: 17q21.2.
Variant type: single nucleotide variant.
Coding change: c.1706A>G on transcript NM_000263.4 (MANE Select); coding-DNA position 1706, A replaced by G.
Protein change: p.Gln569Arg; replaces glutamine 569 with arginine.
Molecular consequence: missense variant.
Genome position (GRCh38, 1-based): chr17:42,543,712, A>G. VCF-style: chr17-42543712-A-G. GRCh37 (hg19) VCF-style: chr17-40695730-A-G.
Other names: short protein forms Q569R.
Identifiers: ClinVar variation 4790531 (VCV004790531.1).

ClinVar aggregate classification (germline): Uncertain significance (1 of 4 stars; one submission).

Conditions:
Mucopolysaccharidosis, MPS-III-B (MPS3B). Also called: MPS IIIB (Sanfilippo Syndrome Type B); N-ACETYL-ALPHA-D-GLUCOSAMINIDASE DEFICIENCY; NAGLU DEFICIENCY; SANFILIPPO SYNDROME B; MPS III B; Mucopolysaccharidosis type IIIB (Sanfilippo B). Identifiers: Orphanet 79270, MedGen C0086648, MONDO:0009656, OMIM 252920.
Charcot-Marie-Tooth disease axonal type 2V. Also called: CHARCOT-MARIE-TOOTH NEUROPATHY, TYPE 2V; CHARCOT-MARIE-TOOTH DISEASE, AXONAL, AUTOSOMAL DOMINANT, TYPE 2V. Identifiers: Orphanet 447964, MedGen C5569050, MONDO:0014665, OMIM 616491.

gnomAD v4.1: 1 of 1,612,386 alleles (0.000062%); highest among the groups gnomAD compares: Non-Finnish European, 0.000085%; no homozygotes.

Submission:

Labcorp Genetics (formerly Invitae), Labcorp
Classification: Uncertain significance for Charcot-Marie-Tooth disease axonal type 2V; Mucopolysaccharidosis, MPS-III-B. Last evaluated: 2025-08-15. Review status: criteria provided, single submitter. Criteria: Invitae Variant Classification Sherloc (09022015). Collection method: clinical testing. Allele origin: germline.
Comment: This sequence change replaces glutamine, which is neutral and polar, with arginine, which is basic and polar, at codon 569 of the NAGLU protein (p.Gln569Arg). This variant is not present in population databases (gnomAD no frequency). This variant has not been reported in the literature in individuals affected with NAGLU-related conditions. Invitae Evidence Modeling of protein sequence and biophysical properties (such as structural, functional, and spatial information, amino acid conservation, physicochemical variation, residue mobility, and thermodynamic stability) has been performed for this missense variant. However, the output from this modeling did not meet the statistical confidence thresholds required to predict the impact of this variant on NAGLU protein function. In summary, the available evidence is currently insufficient to determine the role of this variant in disease. Therefore, it has been classified as a Variant of Uncertain Significance.